The following is an entry in ClinVar:

ClinVar aggregate classification (germline): Uncertain significance (1 of 4 stars; one submission).

Allele frequency attached by ClinVar (database versions not stated): gnomAD 0.00003 and 0.00004; TOPMed 0.00003; gnomAD exomes 0.00006 and 0.00016; ExAC 0.00002.
gnomAD v4.1: 233 of 1,613,940 alleles (0.014%); highest among the groups gnomAD compares: Non-Finnish European, 0.019%; no homozygotes.

Submission:

Labcorp Genetics (formerly Invitae), Labcorp
Classification: Uncertain significance. Last evaluated: 2022-03-10. Review status: criteria provided, single submitter. Criteria: Invitae Variant Classification Sherloc (09022015). Collection method: clinical testing. Allele origin: germline.
Comment: This sequence change replaces histidine, which is basic and polar, with arginine, which is basic and polar, at codon 407 of the HPS5 protein (p.His407Arg). This variant is present in population databases (rs778532780, gnomAD 0.01%). This variant has not been reported in the literature in individuals affected with HPS5-related conditions. Algorithms developed to predict the effect of missense changes on protein structure and function (SIFT, PolyPhen-2, Align-GVGD) all suggest that this variant is likely to be tolerated. In summary, the available evidence is currently insufficient to determine the role of this variant in disease. Therefore, it has been classified as a Variant of Uncertain Significance.

NM_181507.2(HPS5):c.1220A>G (p.His407Arg)

Gene: HPS5 (HPS5 biogenesis of lysosomal organelles complex 2 subunit 2; minus strand). Cytogenetic location: 11p15.1.
Variant type: single nucleotide variant.
Coding change: c.1220A>G on transcript NM_181507.2 (MANE Select); coding-DNA position 1220, A replaced by G.
Protein change: p.His407Arg; replaces histidine 407 with arginine.
Molecular consequence: missense variant.
Genome position (GRCh38, 1-based): chr11:18,297,662, T>C on the plus strand (A>G on the coding strand, the complement: HPS5 is on the minus strand). VCF-style: chr11-18297662-T-C. GRCh37 (hg19) VCF-style: chr11-18319209-T-C.
Other names: c.878A>G, p.His293Arg (NM_007216.4, NM_181508.2); short protein forms H293R, H407R.
Identifiers: ClinVar variation 1447953 (VCV001447953.5), dbSNP rs778532780, ClinGen allele CA5910196.
Genomic context (GRCh38, chr11:18,297,662, plus strand): 5'-AAAGGTTCAAATTTTAAGATCAATTCTTCCAGTTGAGAAATTAGATCATTGTAGGTGCCA[T>C]GGTCCAGCTGAGATTTCAAATGCTCCAATTTATCTGCAGTCAAAGTTTTTCTTGCCTAAT-3'
Protein context (NP_852608.1, residues 397-417): KLEHLKSQLD[His407Arg]GTYNDLISQL